The following is an entry in ClinVar:

ClinVar aggregate classification (germline): Uncertain significance (1 of 4 stars; one submission).

Submission:

Labcorp Genetics (formerly Invitae), Labcorp
Classification: Uncertain significance. Last evaluated: 2021-09-01. Review status: criteria provided, single submitter. Criteria: Invitae Variant Classification Sherloc (09022015). Collection method: clinical testing. Allele origin: germline.
Comment: This sequence change replaces threonine with serine at codon 659 of the ELP1 protein (p.Thr659Ser). The threonine residue is moderately conserved and there is a small physicochemical difference between threonine and serine. This variant is not present in population databases (ExAC no frequency). This variant has not been reported in the literature in individuals affected with ELP1-related conditions. Algorithms developed to predict the effect of missense changes on protein structure and function (SIFT, PolyPhen-2, Align-GVGD) all suggest that this variant is likely to be tolerated. In summary, the available evidence is currently insufficient to determine the role of this variant in disease. Therefore, it has been classified as a Variant of Uncertain Significance.

NM_003640.5(ELP1):c.1975A>T (p.Thr659Ser)

Gene: ELP1 (elongator acetyltransferase complex subunit 1; minus strand). Cytogenetic location: 9q31.3.
Variant type: single nucleotide variant.
Coding change: c.1975A>T on transcript NM_003640.5 (MANE Select); coding-DNA position 1975, A replaced by T.
Protein change: p.Thr659Ser; replaces threonine 659 with serine.
Molecular consequence: missense variant.
Genome position (GRCh38, 1-based): chr9:108,901,464, T>A on the plus strand (A>T on the coding strand, the complement: ELP1 is on the minus strand). VCF-style: chr9-108901464-T-A. GRCh37 (hg19) VCF-style: chr9-111663744-T-A.
Other names: c.1633A>T, p.Thr545Ser (NM_001318360.2); c.928A>T, p.Thr310Ser (NM_001330749.2); short protein forms T545S, T310S, T659S.
Identifiers: ClinVar variation 1490302 (VCV001490302.5), dbSNP rs200117008, ClinGen allele CA374424124.
Genomic context (GRCh38, chr9:108,901,464, plus strand): 5'-TTTTATACATTGAAAACTTACTTTTAAATGAAGCATCCCTCAGGCAAAAACACTGGCAGG[T>A]ATGGGAATGGGTTGTCAACAATAAAAACTCATCATATACTGCAAATGACGTGATATTTGA-3'
Protein context (NP_003631.2, residues 649-669): EFLLLTTHSH[Thr659Ser]CQCFCLRDAS